The following is an entry in ClinVar:

NM_001378789.1(CERS3):c.1107_1108inv (p.Arg370Gly)

Genes: CERS3 (ceramide synthase 3; minus strand), CERS3-AS1 (CERS3 antisense RNA 1; plus strand). Cytogenetic location: 15q26.3.
Variant type: Inversion.
Coding change: c.1107_1108inv on transcript NM_001378789.1 (MANE Select).
Protein change: p.Arg370Gly; replaces arginine 370 with glycine.
Molecular consequence: missense variant.
Genome position: GRCh38 VCF-style: chr15-100402757-TG-CA. GRCh37 (hg19) VCF-style: chr15-100942962-TG-CA.
Other names: c.1140_1141inv, p.Arg381Gly (NM_001290341.2); c.1107_1108inv, p.Arg370Gly (NM_001290342.2, NM_001290343.2, NM_178842.5); short protein forms R370G, R381G.
Identifiers: ClinVar variation 2164562 (VCV002164562.3), ClinGen allele CA2580089770.

ClinVar aggregate classification (germline): Uncertain significance (1 of 4 stars; one submission).

Submission:

Labcorp Genetics (formerly Invitae), Labcorp
Classification: Uncertain significance. Last evaluated: 2021-12-31. Review status: criteria provided, single submitter. Criteria: Invitae Variant Classification Sherloc (09022015). Collection method: clinical testing. Allele origin: germline.
Comment: In summary, the available evidence is currently insufficient to determine the role of this variant in disease. Therefore, it has been classified as a Variant of Uncertain Significance. Experimental studies and prediction algorithms are not available or were not evaluated, and the functional significance of this variant is currently unknown. This variant has not been reported in the literature in individuals affected with CERS3-related conditions. Information on the frequency of this variant in the gnomAD database is not available, as this variant may be reported differently in the database. This sequence change replaces arginine, which is basic and polar, with glycine, which is neutral and non-polar, at codon 370 of the CERS3 protein (p.Arg370Gly).